The following is an entry in ClinVar:

NM_001376.5(DYNC1H1):c.7904T>A (p.Phe2635Tyr)

Gene: DYNC1H1 (dynein cytoplasmic 1 heavy chain 1; plus strand). Cytogenetic location: 14q32.31.
Variant type: single nucleotide variant.
Coding change: c.7904T>A on transcript NM_001376.5 (MANE Select); coding-DNA position 7904, T replaced by A.
Protein change: p.Phe2635Tyr; replaces phenylalanine 2635 with tyrosine.
Molecular consequence: missense variant.
Genome position (GRCh38, 1-based): chr14:102,017,143, T>A. VCF-style: chr14-102017143-T-A. GRCh37 (hg19) VCF-style: chr14-102483480-T-A.
Other names: short protein forms F2635Y.
Identifiers: ClinVar variation 3251127 (VCV003251127.18), dbSNP rs2503772820.

ClinVar aggregate classification (germline): Uncertain significance (1 of 4 stars; one submission).

Submission:

CeGaT Center for Human Genetics Tuebingen
Classification: Uncertain significance. Last evaluated: 2024-06-01. Review status: criteria provided, single submitter. Criteria: CeGaT Center For Human Genetics Tuebingen Variant Classification Criteria Version 2. Collection method: clinical testing. Allele origin: germline. Affected: yes. Observed: 1 variant allele.
Comment: DYNC1H1: PM2, PP2